The following is an entry in ClinVar:

NM_000361.3(THBD):c.550_551delinsCA (p.Ala184His)

Gene: THBD (thrombomodulin; minus strand). Cytogenetic location: 20p11.21.
Variant type: Indel.
Coding change: c.550_551delinsCA on transcript NM_000361.3 (MANE Select); coding-DNA positions 550 to 551, GC replaced by CA.
Protein change: p.Ala184His; replaces alanine 184 with histidine.
Molecular consequence: missense variant.
Genome position (GRCh38, 1-based): chr20:23,048,954-23,048,955, GC replaced by TG on the plus strand (GC replaced by CA on the coding strand, the reverse complement: THBD is on the minus strand). VCF-style: chr20-23048954-GC-TG. GRCh37 (hg19) VCF-style: chr20-23029591-GC-TG.
Other names: short protein forms A184H.
Identifiers: ClinVar variation 4734466 (VCV004734466.1).

ClinVar aggregate classification (germline): Uncertain significance (1 of 4 stars; one submission).

Submission:

Labcorp Genetics (formerly Invitae), Labcorp
Classification: Uncertain significance. Last evaluated: 2026-01-06. Review status: criteria provided, single submitter. Criteria: Invitae Variant Classification Sherloc (09022015). Collection method: clinical testing. Allele origin: germline.
Comment: This sequence change replaces alanine, which is neutral and non-polar, with histidine, which is basic and polar, at codon 184 of the THBD protein (p.Ala184His). Information on the frequency of this variant in the gnomAD database is not available, as this variant may be reported differently in the database. This variant has not been reported in the literature in individuals affected with THBD-related conditions. An algorithm developed to predict the effect of missense changes on protein structure and function (PolyPhen-2) suggests that this variant is likely to be disruptive. In summary, the available evidence is currently insufficient to determine the role of this variant in disease. Therefore, it has been classified as a Variant of Uncertain Significance.